The following is an entry in ClinVar:

ClinVar aggregate classification (germline): Uncertain significance (1 of 4 stars; one submission).

Submission:

Labcorp Genetics (formerly Invitae), Labcorp
Classification: Uncertain significance. Last evaluated: 2024-07-01. Review status: criteria provided, single submitter. Criteria: Invitae Variant Classification Sherloc (09022015). Collection method: clinical testing. Allele origin: germline.
Comment: This sequence change replaces methionine, which is neutral and non-polar, with leucine, which is neutral and non-polar, at codon 207 of the LYN protein (p.Met207Leu). This variant is not present in population databases (gnomAD no frequency). This variant has not been reported in the literature in individuals affected with LYN-related conditions. An algorithm developed to predict the effect of missense changes on protein structure and function (PolyPhen-2) suggests that this variant is likely to be tolerated. In summary, the available evidence is currently insufficient to determine the role of this variant in disease. Therefore, it has been classified as a Variant of Uncertain Significance.

NM_002350.4(LYN):c.619A>T (p.Met207Leu)

Gene: LYN (LYN proto-oncogene, Src family tyrosine kinase; plus strand). Cytogenetic location: 8q12.1.
Variant type: single nucleotide variant.
Coding change: c.619A>T on transcript NM_002350.4 (MANE Select); coding-DNA position 619, A replaced by T.
Protein change: p.Met207Leu; replaces methionine 207 with leucine.
Molecular consequence: missense variant.
Genome position (GRCh38, 1-based): chr8:55,952,097, A>T. VCF-style: chr8-55952097-A-T. GRCh37 (hg19) VCF-style: chr8-56864656-A-T.
Other names: c.556A>T, p.Met186Leu (NM_001111097.3); short protein forms M186L, M207L.
Identifiers: ClinVar variation 3688539 (VCV003688539.2).